The following is an entry in ClinVar:

NM_001278512.2(AP3B2):c.309G>A (p.Glu103=)

Genes: AP3B2 (adaptor related protein complex 3 subunit beta 2; minus strand), CPEB1-AS1 (CPEB1 antisense RNA 1; plus strand). Cytogenetic location: 15q25.2.
Variant type: single nucleotide variant.
Coding change: c.309G>A on transcript NM_001278512.2 (MANE Select); coding-DNA position 309, G replaced by A.
Protein change: p.Glu103=; no amino-acid change (glutamic acid 103 retained).
Molecular consequence: synonymous variant. On other transcripts: intron variant (1).
Genome position (GRCh38, 1-based): chr15:82,688,787, C>T on the plus strand (G>A on the coding strand, the complement: AP3B2 is on the minus strand). VCF-style: chr15-82688787-C-T. GRCh37 (hg19) VCF-style: chr15-83357539-C-T.
Other names: c.309G>A, p.Glu103= (NM_001348440.2, NM_004644.5); c.264+371G>A (NM_001278511.2).
Identifiers: ClinVar variation 731248 (VCV000731248.35), dbSNP rs142080998, ClinGen allele CA7700531.

ClinVar aggregate classification (germline): Benign/Likely benign. Review status: criteria provided, multiple submitters, no conflicts (2 of 4 stars). 4 submissions from 4 submitters: Benign (2); Likely benign (2). Last evaluated 2025-12-15.

Conditions:
Developmental and epileptic encephalopathy, 48 (DEE48). Also called: Epileptic encephalopathy, early infantile, 48. Identifiers: MedGen C4310637, MONDO:0015000, OMIM 617276.

Allele frequency attached by ClinVar (database versions not stated): gnomAD 0.00036 and 0.00058; gnomAD exomes 0.00044 and 0.00074; TOPMed 0.00046; ExAC 0.00096; 1000 Genomes Project 30x 0.00219; 1000 Genomes Project 0.00240.
gnomAD v4.1: 722 of 1,613,122 alleles (0.045%); highest among the groups gnomAD compares: East Asian, 1.4%; 8 homozygotes.

Submissions (4):

Labcorp Genetics (formerly Invitae), Labcorp
Classification: Benign. Last evaluated: 2025-12-15. Review status: criteria provided, single submitter. Criteria: Invitae Variant Classification Sherloc (09022015). Collection method: clinical testing. Allele origin: germline.

CeGaT Center for Human Genetics Tuebingen
Classification: Likely benign. Last evaluated: 2024-11-01. Review status: criteria provided, single submitter. Criteria: CeGaT Center For Human Genetics Tuebingen Variant Classification Criteria Version 2. Collection method: clinical testing. Allele origin: germline. Affected: yes. Observed: 2 variant alleles.
Comment: AP3B2: BP4, BP7, BS1

Blueprint Genetics
Classification: Likely benign. Last evaluated: 2024-10-30. Review status: criteria provided, single submitter. Criteria: ACMG Guidelines, 2015. Collection method: clinical testing. Allele origin: germline.

ARUP Laboratories, Molecular Genetics and Genomics, ARUP Laboratories
Classification: Benign for Developmental and epileptic encephalopathy, 48. Last evaluated: 2024-05-14. Review status: criteria provided, single submitter. Criteria: ARUP Molecular Germline Variant Investigation Process 2024. Collection method: clinical testing. Allele origin: germline.